The following is an entry in ClinVar:

ClinVar aggregate classification (germline): Benign. Review status: criteria provided, multiple submitters, no conflicts (2 of 4 stars). 2 submissions from 2 submitters: Benign (2). Last evaluated 2018-01-12.

Conditions:
Purine-nucleoside phosphorylase deficiency. Also called: NUCLEOSIDE PHOSPHORYLASE DEFICIENCY; Immunodeficiency due to purine nucleoside phosphorylase deficiency. Identifiers: Orphanet 760, MedGen C0268125, MONDO:0013171, OMIM 613179.

Allele frequency attached by ClinVar (database versions not stated): gnomAD exomes 0.00107; gnomAD 0.01105 and 0.01164; ESP Exome Variant Server 0.01205; TOPMed 0.01256; 1000 Genomes Project 0.01318; 1000 Genomes Project 30x 0.01405.
gnomAD v4.1: 3,248 of 1,527,626 alleles (0.21%); highest among the groups gnomAD compares: African/African-American, 3.8%; 68 homozygotes.

Submissions (2):

Illumina Laboratory Services, Illumina
Classification: Benign for Purine-nucleoside phosphorylase deficiency. Last evaluated: 2018-01-12. Review status: criteria provided, single submitter. Criteria: ICSL Variant Classification Criteria 13 December 2019. Collection method: clinical testing. Allele origin: germline.
Comment: This variant was observed in the ICSL laboratory as part of a predisposition screen in an ostensibly healthy population. It had not been previously curated by ICSL or reported in the Human Gene Mutation Database (HGMD: prior to June 1st, 2018), and was therefore a candidate for classification through an automated scoring system. Utilizing variant allele frequency, disease prevalence and penetrance estimates, and inheritance mode, an automated score was calculated to assess if this variant is too frequent to cause the disease. Based on the score and internal cut-off values, a variant classified as benign is not then subjected to further curation. The score for this variant resulted in a classification of benign for this disease.

Breakthrough Genomics
Classification: Benign. Review status: criteria provided, single submitter. Criteria: ACMG Guidelines, 2015. Collection method: not provided. Allele origin: germline. Inheritance: Autosomal recessive inheritance. Affected: yes.

NM_000270.4(PNP):c.-83C>G

Gene: PNP (purine nucleoside phosphorylase; plus strand). Cytogenetic location: 14q11.2.
Variant type: single nucleotide variant.
Coding change: c.-83C>G on transcript NM_000270.4 (MANE Select); 83 bases upstream of the start codon, C replaced by G.
Molecular consequence: 5 prime UTR variant.
Genome position (GRCh38, 1-based): chr14:20,469,442, C>G. VCF-style: chr14-20469442-C-G. GRCh37 (hg19) VCF-style: chr14-20937601-C-G.
Identifiers: ClinVar variation 312726 (VCV000312726.6), dbSNP rs113248050, ClinGen allele CA10644954.